The following is an entry in ClinVar:

NM_005751.5(AKAP9):c.794A>C (p.Gln265Pro)

Genes: AKAP9 (A-kinase anchoring protein 9; plus strand), LOC129998789 (ATAC-STARR-seq lymphoblastoid silent region 18366; plus strand). Cytogenetic location: 7q21.2.
Variant type: single nucleotide variant.
Coding change: c.794A>C on transcript NM_005751.5 (MANE Select); coding-DNA position 794, A replaced by C.
Protein change: p.Gln265Pro; replaces glutamine 265 with proline.
Molecular consequence: missense variant.
Genome position (GRCh38, 1-based): chr7:91,995,664, A>C. VCF-style: chr7-91995664-A-C. GRCh37 (hg19) VCF-style: chr7-91624978-A-C.
Other names: c.794A>C, p.Gln265Pro (NM_147185.3); short protein forms Q265P.
Identifiers: ClinVar variation 4845172 (VCV004845172.1).

ClinVar aggregate classification (germline): Uncertain significance (1 of 4 stars; one submission).

Conditions:
Cardiovascular phenotype. Identifiers: MedGen CN230736.

gnomAD v4.1: 3 of 1,614,060 alleles (0.00019%); highest among the groups gnomAD compares: Admixed American, 0.0033%; no homozygotes.

Submission:

Ambry Genetics
Classification: Uncertain significance for Cardiovascular phenotype. Last evaluated: 2026-02-14. Review status: criteria provided, single submitter. Criteria: Ambry Variant Classification Scheme 2023. Collection method: clinical testing. Allele origin: germline.
Comment: The p.Q265P variant (also known as c.794A>C), located in coding exon 7 of the AKAP9 gene, results from an A to C substitution at nucleotide position 794. The glutamine at codon 265 is replaced by proline, an amino acid with similar properties. This amino acid position is conserved. In addition, the in silico prediction for this alteration is inconclusive. Based on the available evidence, the clinical significance of this variant remains unclear.